The following is an entry in ClinVar:

NM_001291303.3(FAT4):c.772G>C (p.Gly258Arg)

Gene: FAT4 (FAT atypical cadherin 4; plus strand). Cytogenetic location: 4q28.1.
Variant type: single nucleotide variant.
Coding change: c.772G>C on transcript NM_001291303.3 (MANE Select); coding-DNA position 772, G replaced by C.
Protein change: p.Gly258Arg; replaces glycine 258 with arginine.
Molecular consequence: missense variant.
Genome position (GRCh38, 1-based): chr4:125,317,183, G>C. VCF-style: chr4-125317183-G-C. GRCh37 (hg19) VCF-style: chr4-126238338-G-C.
Other names: c.772G>C (NM_024582.4); c.772G>C, p.Gly258Arg (NM_001291285.3, NM_024582.6); short protein forms G258R.
Identifiers: ClinVar variation 2200603 (VCV002200603.4), dbSNP rs1435183919, ClinGen allele CA358116504.

ClinVar aggregate classification (germline): Uncertain significance. Review status: criteria provided, multiple submitters, no conflicts (2 of 4 stars). 2 submissions from 2 submitters: Uncertain significance (2). Last evaluated 2025-06-10.

Conditions:
Inborn genetic diseases. Identifiers: MedGen C0950123, MeSH D030342.

Allele frequency attached by ClinVar (database versions not stated): TOPMed 0.00002; gnomAD 0.00003.
gnomAD v4.1: 8 of 1,598,746 alleles (0.0005%); highest among the groups gnomAD compares: Non-Finnish European, 0.0006%; no homozygotes.

Submissions (2):

Labcorp Genetics (formerly Invitae), Labcorp
Classification: Uncertain significance. Last evaluated: 2025-06-10. Review status: criteria provided, single submitter. Criteria: Invitae Variant Classification Sherloc (09022015). Collection method: clinical testing. Allele origin: germline.
Comment: This sequence change replaces glycine, which is neutral and non-polar, with arginine, which is basic and polar, at codon 258 of the FAT4 protein (p.Gly258Arg). This variant is present in population databases (no rsID available, gnomAD 0.003%). This variant has not been reported in the literature in individuals affected with FAT4-related conditions. ClinVar contains an entry for this variant (Variation ID: 2200603). Invitae Evidence Modeling of protein sequence and biophysical properties (such as structural, functional, and spatial information, amino acid conservation, physicochemical variation, residue mobility, and thermodynamic stability) indicates that this missense variant is not expected to disrupt FAT4 protein function with a negative predictive value of 95%. In summary, the available evidence is currently insufficient to determine the role of this variant in disease. Therefore, it has been classified as a Variant of Uncertain Significance.

Ambry Genetics
Classification: Uncertain significance for Inborn genetic diseases. Last evaluated: 2021-10-22. Review status: criteria provided, single submitter. Criteria: Ambry Variant Classification Scheme 2023. Collection method: clinical testing. Allele origin: germline.